The following is an entry in ClinVar:

NM_003664.5(AP3B1):c.3132-22G>A

Gene: AP3B1 (adaptor related protein complex 3 subunit beta 1; minus strand). Cytogenetic location: 5q14.1.
Variant type: single nucleotide variant.
Coding change: c.3132-22G>A on transcript NM_003664.5 (MANE Select); 22 bases into the intron before coding-DNA position 3132, G replaced by A.
Molecular consequence: intron variant.
Genome position (GRCh38, 1-based): chr5:78,003,077, C>T on the plus strand (G>A on the coding strand, the complement: AP3B1 is on the minus strand). VCF-style: chr5-78003077-C-T. GRCh37 (hg19) VCF-style: chr5-77298901-C-T.
Other names: c.2985-22G>A (NM_001271769.2).
Identifiers: ClinVar variation 1343575 (VCV001343575.1), dbSNP rs201198522, ClinGen allele CA3316551.
Genomic context (GRCh38, chr5:78,003,077, plus strand): 5'-AGCATCAATGACCCACTGTGCACAGTTTTAGCTGCAAACCTGGAAGAGAAAAAAGAGAGA[C>T]CTTTTATCATAAGATGGGGAGGGTAAAGGAGATAGCATACATTCAAATAGGATTAAAATA-3'

ClinVar aggregate classification (germline): Benign (1 of 4 stars; one submission).

Allele frequency attached by ClinVar (database versions not stated): ESP Exome Variant Server 0.00069; 1000 Genomes Project 0.00080; TOPMed 0.00089; 1000 Genomes Project 30x 0.00094; gnomAD 0.00096 and 0.00098.
gnomAD v4.1: 1,897 of 1,612,970 alleles (0.12%); highest among the groups gnomAD compares: Non-Finnish European, 0.15%; 2 homozygotes.

Submission:

Women's Health and Genetics/Laboratory Corporation of America, LabCorp
Classification: Benign. Last evaluated: 2022-02-16. Review status: criteria provided, single submitter. Criteria: LabCorp Variant Classification Summary - May 2015. Collection method: clinical testing. Allele origin: germline.
Comment: Variant summary: AP3B1 c.3132-22G>A is located at a position not widely known to affect splicing. 4/4 computational tools predict no significant impact on normal splicing. However, these predictions have yet to be confirmed by functional studies. The variant allele was found at a frequency of 0.00062 in 249004 control chromosomes (gnomAD). The observed variant frequency is approximately 1 fold of the estimated maximal expected allele frequency for a pathogenic variant in AP3B1 causing Hermansky-Pudlak Syndrome phenotype (0.0005), strongly suggesting that the variant is benign. To our knowledge, no occurrence of c.3132-22G>A in individuals affected with Hermansky-Pudlak Syndrome and no experimental evidence demonstrating its impact on protein function have been reported. No clinical diagnostic laboratories have submitted clinical-significance assessments for this variant to ClinVar after 2014. Based on the evidence outlined above, the variant was classified as benign.